The following is an entry in ClinVar:

NM_015338.6(ASXL1):c.2633G>T (p.Ser878Ile)

Gene: ASXL1 (ASXL transcriptional regulator 1; plus strand). Cytogenetic location: 20q11.21.
Variant type: single nucleotide variant.
Coding change: c.2633G>T on transcript NM_015338.6 (MANE Select); coding-DNA position 2633, G replaced by T.
Protein change: p.Ser878Ile; replaces serine 878 with isoleucine.
Molecular consequence: missense variant.
Genome position (GRCh38, 1-based): chr20:32,435,345, G>T. VCF-style: chr20-32435345-G-T. GRCh37 (hg19) VCF-style: chr20-31023148-G-T.
Other names: c.2450G>T, p.Ser817Ile (NM_001363734.1); short protein forms S817I, S878I.
Identifiers: ClinVar variation 4158069 (VCV004158069.1).

ClinVar aggregate classification (germline): Uncertain significance (1 of 4 stars; one submission).

Conditions:
Inborn genetic diseases. Identifiers: MedGen C0950123, MeSH D030342.

gnomAD v4.1: 1 of 1,614,190 alleles (0.000062%); highest among the groups gnomAD compares: African/African-American, 0.0013%; no homozygotes.

Submission:

Ambry Genetics
Classification: Uncertain significance for Inborn genetic diseases. Last evaluated: 2025-07-06. Review status: criteria provided, single submitter. Criteria: Ambry Variant Classification Scheme 2023. Collection method: clinical testing. Allele origin: germline.
Comment: The p.S878I variant (also known as c.2633G>T), located in coding exon 13 of the ASXL1 gene, results from a G to T substitution at nucleotide position 2633. The serine at codon 878 is replaced by isoleucine, an amino acid with dissimilar properties. This amino acid position is conserved. In addition, this alteration is predicted to be tolerated by in silico analysis. Based on the available evidence, the clinical significance of this variant remains unclear.